The following is an entry in ClinVar:

NM_006231.4(POLE):c.1794+16G>A

Gene: POLE (DNA polymerase epsilon, catalytic subunit; minus strand). Cytogenetic location: 12q24.33.
Variant type: single nucleotide variant.
Coding change: c.1794+16G>A on transcript NM_006231.4 (MANE Select); 16 bases into the intron after coding-DNA position 1794, G replaced by A.
Molecular consequence: intron variant.
Genome position (GRCh38, 1-based): chr12:132,672,199, C>T on the plus strand (G>A on the coding strand, the complement: POLE is on the minus strand). VCF-style: chr12-132672199-C-T. GRCh37 (hg19) VCF-style: chr12-133248785-C-T.
Identifiers: ClinVar variation 511548 (VCV000511548.10), dbSNP rs770818395, ClinGen allele CA6893829.

ClinVar aggregate classification (germline): Likely benign. Review status: criteria provided, multiple submitters, no conflicts (2 of 4 stars). 4 submissions from 4 submitters: Likely benign (4). Last evaluated 2025-12-29.

Allele frequency attached by ClinVar (database versions not stated): ExAC 0.00001; gnomAD 0.00001; gnomAD exomes 0.00001 and 0.00003; TOPMed 0.00001.

Submissions (4):

Labcorp Genetics (formerly Invitae), Labcorp
Classification: Likely benign. Last evaluated: 2025-12-29. Review status: criteria provided, single submitter. Criteria: Invitae Variant Classification Sherloc (09022015). Collection method: clinical testing. Allele origin: germline.

Center for Genomic Medicine, Rigshospitalet, Copenhagen University Hospital
Classification: Likely benign. Last evaluated: 2025-03-04. Review status: criteria provided, single submitter. Criteria: ACMG Guidelines, 2015. Collection method: clinical testing. Allele origin: germline.

Blueprint Genetics
Classification: Likely benign. Last evaluated: 2024-08-29. Review status: criteria provided, single submitter. Criteria: ACMG Guidelines, 2015. Collection method: clinical testing. Allele origin: germline.

GeneDx
Classification: Likely benign. Last evaluated: 2017-08-16. Review status: criteria provided, single submitter. Criteria: GeneDx Variant Classification (06012015). Collection method: clinical testing. Allele origin: germline. Affected: yes.
Comment: This variant is considered likely benign or benign based on one or more of the following criteria: it is a conservative change, it occurs at a poorly conserved position in the protein, it is predicted to be benign by multiple in silico algorithms, and/or has population frequency not consistent with disease.